The following is an entry in ClinVar:

NM_000089.4(COL1A2):c.2123G>C (p.Arg708Pro)

Gene: COL1A2 (collagen type I alpha 2 chain; plus strand). Cytogenetic location: 7q21.3.
Variant type: single nucleotide variant.
Coding change: c.2123G>C on transcript NM_000089.4 (MANE Select); coding-DNA position 2123, G replaced by C.
Protein change: p.Arg708Pro; replaces arginine 708 with proline.
Molecular consequence: missense variant.
Genome position (GRCh38, 1-based): chr7:94,420,276, G>C. VCF-style: chr7-94420276-G-C. GRCh37 (hg19) VCF-style: chr7-94049588-G-C.
Other names: short protein forms R708P.
Identifiers: ClinVar variation 526886 (VCV000526886.12), dbSNP rs72658163, ClinGen allele CA368223286.

ClinVar aggregate classification (germline): Uncertain significance. Review status: criteria provided, multiple submitters, no conflicts (2 of 4 stars). 2 submissions from 2 submitters: Uncertain significance (2). Last evaluated 2025-12-30.

Conditions:
Cardiovascular phenotype. Identifiers: MedGen CN230736.
Osteogenesis imperfecta type I (OI1). Also called: OI, TYPE I; OSTEOGENESIS IMPERFECTA TARDA; OSTEOGENESIS IMPERFECTA WITH BLUE SCLERAE; Lobstein's Disease; Classic Non-deforming Osteogenesis Imperfecta with Blue Sclerae; Lobstein disease. Identifiers: Orphanet 216796, Orphanet 666, MedGen C0023931, MONDO:0008146, OMIM 166200. Disease mechanism: loss of function.
Ehlers-Danlos syndrome, classic type, 1 (EDSCL1). Also called: Ehlers-Danlos Syndrome, Classic Type, COL5A1-Related; EDS I; Ehlers-Danlos syndrome, type 1; EHLERS-DANLOS SYNDROME, GRAVIS TYPE; EHLERS-DANLOS SYNDROME, SEVERE CLASSIC TYPE. Identifiers: MedGen C0268335, MONDO:0019567, OMIM 130000.

Submissions (2):

Ambry Genetics
Classification: Uncertain significance for Cardiovascular phenotype. Last evaluated: 2025-12-30. Review status: criteria provided, single submitter. Criteria: Ambry Variant Classification Scheme 2023. Collection method: clinical testing. Allele origin: germline.

Labcorp Genetics (formerly Invitae), Labcorp
Classification: Uncertain significance for Osteogenesis imperfecta type I; Ehlers-Danlos syndrome, classic type, 1. Last evaluated: 2017-09-06. Review status: criteria provided, single submitter. Criteria: Invitae Variant Classification Sherloc (09022015). Collection method: clinical testing. Allele origin: germline.
Comment: This sequence change replaces arginine with proline at codon 708 of the COL1A2 protein (p.Arg708Pro). The arginine residue is highly conserved and there is a moderate physicochemical difference between arginine and proline. This variant is not present in population databases (ExAC no frequency). This variant has not been reported in the literature in individuals with COL1A2-related disease. Algorithms developed to predict the effect of missense changes on protein structure and function (SIFT, PolyPhen-2, Align-GVGD) all suggest that this variant is likely to be disruptive, but these predictions have not been confirmed by published functional studies and their clinical significance is uncertain. In summary, the available evidence is currently insufficient to determine the role of this variant in disease. Therefore, it has been classified as a Variant of Uncertain Significance.